The following is an entry in ClinVar:

ClinVar aggregate classification (germline): Pathogenic (1 of 4 stars; one submission).

Conditions:
Hereditary breast ovarian cancer syndrome. Also called: Hereditary breast and ovarian cancer syndrome; Hereditary breast and ovarian cancer; Hereditary breast and ovarian cancer syndrome (HBOC); Breast and ovarian cancer; Hereditary breast and/or ovarian cancer syndrome; BRCA1- and BRCA2-Associated Hereditary Breast and Ovarian Cancer. Identifiers: Orphanet 145, MedGen C0677776, MeSH D061325, MONDO:0003582. Disease mechanism: loss of function.

Submission:

Labcorp Genetics (formerly Invitae), Labcorp
Classification: Pathogenic for Hereditary breast ovarian cancer syndrome. Last evaluated: 2023-06-26. Review status: criteria provided, single submitter. Criteria: Invitae Variant Classification Sherloc (09022015). Collection method: clinical testing. Allele origin: unknown.
Comment: For these reasons, this variant has been classified as Pathogenic. This variant disrupts a region of the BRCA1 protein in which other variant(s) (p.Met1411Thr) have been determined to be pathogenic (PMID: 1474686, 19369211, 24845084, 28398198, 28781887, 30765603; external communication). This suggests that this is a clinically significant region of the protein, and that variants that disrupt it are likely to be disease-causing. This variant has not been reported in the literature in individuals affected with BRCA1-related conditions. This variant results in the deletion of exons 11-12 and part of exon 10 (c.3416_4357+1860delins183) of the BRCA1 gene. It is expected to disrupt RNA splicing. Variants that disrupt the donor or acceptor splice site typically lead to a loss of protein function (PMID: 16199547), and loss-of-function variants in BRCA1 are known to be pathogenic (PMID: 20104584).

Literature cited by the submitters: PubMed 1474686; PubMed 19369211; PubMed 24845084; PubMed 28398198; PubMed 28781887; PubMed 30765603; PubMed 16199547; PubMed 20104584.

NC_000017.10:g.(?_41232561)_(41244132_?)del

Gene: BRCA1 (BRCA1 DNA repair associated; minus strand). Cytogenetic location: 17q21.31.
Variant type: Deletion.
Identifiers: ClinVar variation 3243018 (VCV003243018.1).